The following is an entry in ClinVar:

ClinVar aggregate classification (germline): Uncertain significance (1 of 4 stars; one submission).

Conditions:
Benign neonatal seizures. Also called: Benign familial neonatal epilepsy; Benign neonatal familial convulsions; Convulsions benign familial neonatal dominant form; Autosomal dominant form of benign neonatal seizures; Benign familial neonatal seizures. Identifiers: Orphanet 1949, MedGen C0220669, MONDO:0016027.

Allele frequency attached by ClinVar (database versions not stated): gnomAD exomes below 0.00001.

Submission:

Labcorp Genetics (formerly Invitae), Labcorp
Classification: Uncertain significance for Benign neonatal seizures. Last evaluated: 2025-12-22. Review status: criteria provided, single submitter. Criteria: Invitae Variant Classification Sherloc (09022015). Collection method: clinical testing. Allele origin: germline.
Comment: This sequence change replaces leucine, which is neutral and non-polar, with valine, which is neutral and non-polar, at codon 124 of the KCNQ3 protein (p.Leu124Val). This variant is not present in population databases (gnomAD no frequency). This variant has not been reported in the literature in individuals affected with KCNQ3-related conditions. ClinVar contains an entry for this variant (Variation ID: 1007285). Invitae Evidence Modeling of protein sequence and biophysical properties (such as structural, functional, and spatial information, amino acid conservation, physicochemical variation, residue mobility, and thermodynamic stability) indicates that this missense variant is not expected to disrupt KCNQ3 protein function with a negative predictive value of 80%. In summary, the available evidence is currently insufficient to determine the role of this variant in disease. Therefore, it has been classified as a Variant of Uncertain Significance.

NM_004519.4(KCNQ3):c.370C>G (p.Leu124Val)

Gene: KCNQ3 (potassium voltage-gated channel subfamily Q member 3; minus strand). Cytogenetic location: 8q24.22.
Variant type: single nucleotide variant.
Coding change: c.370C>G on transcript NM_004519.4 (MANE Select); coding-DNA position 370, C replaced by G.
Protein change: p.Leu124Val; replaces leucine 124 with valine.
Molecular consequence: missense variant.
Genome position (GRCh38, 1-based): chr8:132,480,163, G>C on the plus strand (C>G on the coding strand, the complement: KCNQ3 is on the minus strand). VCF-style: chr8-132480163-G-C. GRCh37 (hg19) VCF-style: chr8-133492410-G-C.
Other names: short protein forms L124V.
Identifiers: ClinVar variation 1007285 (VCV001007285.9), dbSNP rs371579261, ClinGen allele CA372292349.
Genomic context (GRCh38, chr8:132,480,163, plus strand): 5'-AAGCGCGCCGCCGCCGAGGGCGCCCCGAGCGGCCGGGTACTCACACCAACGCGTGGTAAA[G>C]CAGCGCCCAGCCCCGCGGTCTCTCCAGGGCGTCGTAGATCAAAGTTTGGATGCGCCGGTA-3'
Protein context (NP_004510.1, residues 114-134): ALERPRGWAL[Leu124Val]YHALVFLIVL